The following is an entry in ClinVar:

ClinVar aggregate classification (germline): Pathogenic (1 of 4 stars; one submission).

Conditions:
Bone mineral density quantitative trait locus 18 (BMND18). Also called: Bone mineral density QTL18, osteoporosis; OSTEOPOROSIS AND OSTEOPOROTIC FRACTURES, SUSCEPTIBILITY TO. Identifiers: Orphanet 391330, MedGen C3806712, OMIM 300910.

Submission:

Clinical Biomedical Laboratory, Shriners Hospital For Children - Canada
Classification: Pathogenic for Bone mineral density quantitative trait locus 18. Last evaluated: 2026-03-10. Review status: criteria provided, single submitter. Criteria: ACMG Guidelines, 2015. Collection method: clinical testing. Allele origin: germline. Affected: yes.
Comment: In the Genome Aggregation Database (gnomAD v2.1.1) this variant is not present. The variant is predicted to affect splicing (SpliceAI 0.57). The affected nucleotide is conserved in evolution (PhyloP = 6.15, conserved). Hemizygous PLS3 loss of function variants are an established cause of juvenile osteoporosis (PMID: 24616189). Based on the ACMG variant interpretation guidelines, the available evidence supports classification as a likely pathogenic variant.

Literature cited by the submitters: PubMed 24616189.

NM_005032.7(PLS3):c.1635+2T>C

Gene: PLS3 (plastin 3; plus strand). Cytogenetic location: Xq23.
Variant type: single nucleotide variant.
Coding change: c.1635+2T>C on transcript NM_005032.7 (MANE Select); the canonical splice donor site of the intron after coding-DNA position 1635, T replaced by C.
Molecular consequence: splice donor variant.
Genome position (GRCh38, 1-based): chrX:115,647,675, T>C. VCF-style: chrX-115647675-T-C. GRCh37 (hg19) VCF-style: chrX-114881995-T-C.
Other names: c.1596+2T>C (NM_001282337.2); c.1635+2T>C (NM_001440791.1, NM_001440792.1, NM_001136025.5); c.1500+2T>C (NM_001282338.2); c.1554+2T>C (NM_001172335.3).
Identifiers: ClinVar variation 4819374 (VCV004819374.1).